The following is an entry in ClinVar:

NM_000278.5(PAX2):c.1021+91G>A

Gene: PAX2 (paired box 2; plus strand). Cytogenetic location: 10q24.31.
Variant type: single nucleotide variant.
Coding change: c.1021+91G>A on transcript NM_000278.5 (MANE Select); 91 bases into the intron after coding-DNA position 1021, G replaced by A.
Molecular consequence: intron variant.
Genome position (GRCh38, 1-based): chr10:100,824,840, G>A. VCF-style: chr10-100824840-G-A. GRCh37 (hg19) VCF-style: chr10-102584597-G-A.
Other names: c.1114+91G>A (NM_001304569.2); c.1090+91G>A (NM_003987.5, NM_003990.5); c.1022-62G>A (NM_003988.5); c.1021+91G>A (NM_003989.5).
Identifiers: ClinVar variation 1228920 (VCV001228920.6), dbSNP rs11190717, ClinGen allele CA13355802.
Genomic context (GRCh38, chr10:100,824,840, plus strand): 5'-AGGTGGGGGGAACTAAATTGTGGGTGAGCTGCTGAATGGTCTGTAGTCTGAGGCTGGGGT[G>A]GGGGGAGACACAACGTCCCCTCCCTGCAAACCACTGCTATTCTGTCCCTCTCTCTCCTTA-3'

ClinVar aggregate classification (germline): Benign. Review status: criteria provided, multiple submitters, no conflicts (2 of 4 stars). 3 submissions from 3 submitters: Benign (3). Last evaluated 2024-07-15.

Allele frequency attached by ClinVar (database versions not stated): 1000 Genomes Project 0.11102; TOPMed 0.17157; 1000 Genomes Project 30x 0.11149.
gnomAD v4.1: 316,836 of 1,505,592 alleles (21%); highest among the groups gnomAD compares: Middle Eastern, 30%; 36,377 homozygotes.

Submissions (3):

Unidad de Genómica Garrahan, Hospital de Pediatría Garrahan
Classification: Benign. Last evaluated: 2024-07-15. Review status: criteria provided, single submitter. Criteria: ACMG Guidelines, 2015. Collection method: clinical testing. Allele origin: germline. Affected: no. Observed: 26 variant alleles.
Comment: This variant is classified as Benign based on local population frequency. This variant was detected in 28% of patients studied in a panel designed for Epileptic and Developmental Encephalopathy and Progressive Myoclonus Epilepsy. Number of patients: 26. Only high quality variants are reported.

GeneDx
Classification: Benign. Last evaluated: 2018-11-12. Review status: criteria provided, single submitter. Criteria: GeneDx Variant Classification Process June 2021. Collection method: clinical testing. Allele origin: germline. Affected: yes.

Breakthrough Genomics
Classification: Benign. Review status: criteria provided, single submitter. Criteria: ACMG Guidelines, 2015. Collection method: not provided. Allele origin: germline. Inheritance: Autosomal dominant inheritance. Affected: yes.